The following is an entry in ClinVar:

ClinVar aggregate classification (germline): Uncertain significance (1 of 4 stars; one submission).

Submission:

Labcorp Genetics (formerly Invitae), Labcorp
Classification: Uncertain significance. Last evaluated: 2022-09-01. Review status: criteria provided, single submitter. Criteria: Invitae Variant Classification Sherloc (09022015). Collection method: clinical testing. Allele origin: germline.
Comment: This sequence change replaces serine, which is neutral and polar, with asparagine, which is neutral and polar, at codon 821 of the NLRP1 protein (p.Ser821Asn). In summary, the available evidence is currently insufficient to determine the role of this variant in disease. Therefore, it has been classified as a Variant of Uncertain Significance. Algorithms developed to predict the effect of missense changes on protein structure and function are either unavailable or do not agree on the potential impact of this missense change (SIFT: "Deleterious"; PolyPhen-2: "Possibly Damaging"; Align-GVGD: "Class C0"). This variant has not been reported in the literature in individuals affected with NLRP1-related conditions. This variant is not present in population databases (gnomAD no frequency).

NM_033004.4(NLRP1):c.2462G>A (p.Ser821Asn)

Gene: NLRP1 (NLR family pyrin domain containing 1; minus strand). Cytogenetic location: 17p13.2.
Variant type: single nucleotide variant.
Coding change: c.2462G>A on transcript NM_033004.4 (MANE Select); coding-DNA position 2462, G replaced by A.
Protein change: p.Ser821Asn; replaces serine 821 with asparagine.
Molecular consequence: missense variant.
Genome position (GRCh38, 1-based): chr17:5,553,452, C>T on the plus strand (G>A on the coding strand, the complement: NLRP1 is on the minus strand). VCF-style: chr17-5553452-C-T. GRCh37 (hg19) VCF-style: chr17-5456772-C-T.
Other names: c.2462G>A, p.Ser821Asn (NM_001033053.3, NM_014922.5, NM_033006.4 and 1 more transcripts); short protein forms S821N.
Identifiers: ClinVar variation 2075231 (VCV002075231.4), dbSNP rs781578724, ClinGen allele CA397381420.